The following is an entry in ClinVar:

ClinVar aggregate classification (germline): Uncertain significance (1 of 4 stars; one submission).

Submission:

Labcorp Genetics (formerly Invitae), Labcorp
Classification: Uncertain significance. Last evaluated: 2022-04-24. Review status: criteria provided, single submitter. Criteria: Invitae Variant Classification Sherloc (09022015). Collection method: clinical testing. Allele origin: germline.
Comment: Algorithms developed to predict the effect of missense changes on protein structure and function (SIFT, PolyPhen-2, Align-GVGD) all suggest that this variant is likely to be tolerated. This variant has not been reported in the literature in individuals affected with COQ9-related conditions. This variant is not present in population databases (gnomAD no frequency). This sequence change replaces valine, which is neutral and non-polar, with alanine, which is neutral and non-polar, at codon 224 of the COQ9 protein (p.Val224Ala). In summary, the available evidence is currently insufficient to determine the role of this variant in disease. Therefore, it has been classified as a Variant of Uncertain Significance.

NM_020312.4(COQ9):c.671T>C (p.Val224Ala)

Gene: COQ9 (coenzyme Q9; plus strand). Cytogenetic location: 16q21.
Variant type: single nucleotide variant.
Coding change: c.671T>C on transcript NM_020312.4 (MANE Select); coding-DNA position 671, T replaced by C.
Protein change: p.Val224Ala; replaces valine 224 with alanine.
Molecular consequence: missense variant.
Genome position (GRCh38, 1-based): chr16:57,458,310, T>C. VCF-style: chr16-57458310-T-C. GRCh37 (hg19) VCF-style: chr16-57492222-T-C.
Other names: short protein forms V224A.
Identifiers: ClinVar variation 2118800 (VCV002118800.4), dbSNP rs2543573801, ClinGen allele CA396029384.
Genomic context (GRCh38, chr16:57,458,310, plus strand): 5'-TCAGCATCCTCATGCTCCCTCACAACATCCCGTCCAGCCTGAGCCTGCTCACCAGCATGG[T>C]GGATGACATGTGGCATTACGCTGGGGACCAGTCCACTGATGTGAGTGCTTTCTGCAGGCC-3'
Protein context (NP_064708.1, residues 214-234): PSSLSLLTSM[Val224Ala]DDMWHYAGDQ